The following is an entry in ClinVar:

ClinVar aggregate classification (germline): Uncertain significance. Review status: criteria provided, multiple submitters, no conflicts (2 of 4 stars). 3 submissions from 3 submitters: Uncertain significance (3). Last evaluated 2025-07-12.

Conditions:
Malignant hyperthermia, susceptibility to, 1 (MHS1). Also called: RYR1-Related Malignant Hyperthermia Susceptibility; Anesthesia related hyperthermia; Malignant hyperpyrexia; Fulminating hyperpyrexia; Pharmacogenic myopathy; Malignant hyperthermia suceptibility 1. Identifiers: Orphanet 423, MedGen C2930980, MONDO:0007783, OMIM 145600.

Allele frequency attached by ClinVar (database versions not stated): TOPMed below 0.00001.
gnomAD v4.1: 4 of 1,613,662 alleles (0.00025%); highest among the groups gnomAD compares: African/African-American, 0.0013%; no homozygotes.

Submissions (3):

GeneDx
Classification: Uncertain significance. Last evaluated: 2025-07-12. Review status: criteria provided, single submitter. Criteria: GeneDx Variant Classification Process June 2021. Collection method: clinical testing. Allele origin: germline. Affected: yes.
Comment: Not observed at significant frequency in large population cohorts (gnomAD); In silico analysis supports that this missense variant has a deleterious effect on protein structure/function; Has not been previously published as pathogenic or benign to our knowledge

Color Diagnostics, LLC DBA Color Health
Classification: Uncertain significance for Malignant hyperthermia, susceptibility to, 1. Last evaluated: 2025-07-09. Review status: criteria provided, single submitter. Criteria: ACMG Guidelines, 2015. Collection method: clinical testing. Allele origin: germline.
Comment: This missense variant replaces glutamic acid with lysine at codon 3776 of the RYR1 protein. Computational prediction is inconclusive about the impact of this variant on protein structure and function. To our knowledge, functional studies have not been reported for this variant. This variant has not been reported in individuals affected with RYR1-related disorders in the literature. This variant has not been identified in the general population by the Genome Aggregation Database (gnomAD). The available evidence is insufficient to determine the role of this variant in disease conclusively. Therefore, this variant is classified as a Variant of Uncertain Significance.

All of Us Research Program, National Institutes of Health
Classification: Uncertain significance for Malignant hyperthermia, susceptibility to, 1. Last evaluated: 2023-02-24. Review status: criteria provided, single submitter. Criteria: ACMG Guidelines, 2015. Collection method: clinical testing. Allele origin: germline. Inheritance: Autosomal dominant inheritance. Observed: 1 variant allele, 1 heterozygote.
Comment: This missense variant replaces glutamic acid with lysine at codon 3776 of the RYR1 protein. Computational prediction suggests that this variant may have deleterious impact on protein structure and function (internally defined REVEL score threshold >= 0.7, PMID: 27666373). To our knowledge, functional studies have not been reported for this variant. This variant has not been reported in individuals affected with RYR1-related disorders in the literature. This variant has not been identified in the general population by the Genome Aggregation Database (gnomAD). The available evidence is insufficient to determine the role of this variant in disease conclusively. Therefore, this variant is classified as a Variant of Uncertain Significance.

This study involves interpretation of variants in research participants for the purpose of population health screening. Participant phenotype was not available at the time of variant classification. Additional details can be found in publication PMID: 35346344, PMCID: PMC8962531

NM_000540.3(RYR1):c.11326G>A (p.Glu3776Lys)

Gene: RYR1 (ryanodine receptor 1; plus strand). Cytogenetic location: 19q13.2.
Variant type: single nucleotide variant.
Coding change: c.11326G>A on transcript NM_000540.3 (MANE Select); coding-DNA position 11326, G replaced by A.
Protein change: p.Glu3776Lys; replaces glutamic acid 3776 with lysine.
Molecular consequence: missense variant.
Genome position (GRCh38, 1-based): chr19:38,534,786, G>A. VCF-style: chr19-38534786-G-A. GRCh37 (hg19) VCF-style: chr19-39025426-G-A.
Other names: c.11311G>A, p.Glu3771Lys (NM_001042723.2); short protein forms E3771K, E3776K.
Identifiers: ClinVar variation 3069498 (VCV003069498.3), dbSNP rs1971893048, ClinGen allele CA405654752.
Genomic context (GRCh38, chr19:38,534,786, plus strand): 5'-CAGATGGAGAAGCAGAGGCTCTTGTACCAGCAAGCACGGCTGCACACCCGGGGGGCGGCC[G>A]AGATGGTGCTGCAGATGATCAGTGCCTGCAAAGGTGCCCCTCACATGTGCACTGGACTCT-3'
Protein context (NP_000531.2, residues 3766-3786): QARLHTRGAA[Glu3776Lys]MVLQMISACK